The following is an entry in ClinVar:

NM_019851.3(FGF20):c.286+4C>T

Gene: FGF20 (fibroblast growth factor 20; minus strand). Cytogenetic location: 8p22.
Variant type: single nucleotide variant.
Coding change: c.286+4C>T on transcript NM_019851.3 (MANE Select); 4 bases into the intron after coding-DNA position 286, C replaced by T.
Molecular consequence: intron variant.
Genome position (GRCh38, 1-based): chr8:17,001,743, G>A on the plus strand (C>T on the coding strand, the complement: FGF20 is on the minus strand). VCF-style: chr8-17001743-G-A. GRCh37 (hg19) VCF-style: chr8-16859252-G-A.
Identifiers: ClinVar variation 3620085 (VCV003620085.2).

ClinVar aggregate classification (germline): Uncertain significance (1 of 4 stars; one submission).

Submission:

Labcorp Genetics (formerly Invitae), Labcorp
Classification: Uncertain significance. Last evaluated: 2024-01-25. Review status: criteria provided, single submitter. Criteria: Invitae Variant Classification Sherloc (09022015). Collection method: clinical testing. Allele origin: germline.
Comment: This sequence change falls in intron 1 of the FGF20 gene. It does not directly change the encoded amino acid sequence of the FGF20 protein. It affects a nucleotide within the consensus splice site. The frequency data for this variant in the population databases is considered unreliable, as metrics indicate poor data quality at this position in the gnomAD database. This variant has not been reported in the literature in individuals affected with FGF20-related conditions. Variants that disrupt the consensus splice site are a relatively common cause of aberrant splicing (PMID: 17576681, 9536098). Algorithms developed to predict the effect of sequence changes on RNA splicing suggest that this variant is not likely to affect RNA splicing. In summary, the available evidence is currently insufficient to determine the role of this variant in disease. Therefore, it has been classified as a Variant of Uncertain Significance.

Literature cited by the submitters: PubMed 17576681; PubMed 9536098.